The following is an entry in ClinVar:

ClinVar aggregate classification (germline): Uncertain significance (1 of 4 stars; one submission).

Allele frequency attached by ClinVar (database versions not stated): gnomAD exomes below 0.00001; ExAC 0.00001; TOPMed 0.00001.
gnomAD v4.1: 5 of 1,614,182 alleles (0.00031%); highest among the groups gnomAD compares: South Asian, 0.0033%; no homozygotes.

Submission:

Labcorp Genetics (formerly Invitae), Labcorp
Classification: Uncertain significance. Last evaluated: 2023-01-24. Review status: criteria provided, single submitter. Criteria: Invitae Variant Classification Sherloc (09022015). Collection method: clinical testing. Allele origin: germline.
Comment: This sequence change replaces glutamine, which is neutral and polar, with leucine, which is neutral and non-polar, at codon 2321 of the PRPF8 protein (p.Gln2321Leu). In summary, the available evidence is currently insufficient to determine the role of this variant in disease. Therefore, it has been classified as a Variant of Uncertain Significance. Algorithms developed to predict the effect of sequence changes on RNA splicing suggest that this variant may disrupt the consensus splice site. Advanced modeling of protein sequence and biophysical properties (such as structural, functional, and spatial information, amino acid conservation, physicochemical variation, residue mobility, and thermodynamic stability) performed at Invitae indicates that this missense variant is not expected to disrupt PRPF8 protein function. This variant has not been reported in the literature in individuals affected with PRPF8-related conditions. This variant is present in population databases (rs774814867, gnomAD 0.006%).

NM_006445.4(PRPF8):c.6962A>T (p.Gln2321Leu)

Gene: PRPF8 (pre-mRNA processing factor 8; minus strand). Cytogenetic location: 17p13.3.
Variant type: single nucleotide variant.
Coding change: c.6962A>T on transcript NM_006445.4 (MANE Select); coding-DNA position 6962, A replaced by T.
Protein change: p.Gln2321Leu; replaces glutamine 2321 with leucine.
Molecular consequence: missense variant.
Genome position (GRCh38, 1-based): chr17:1,650,848, T>A on the plus strand (A>T on the coding strand, the complement: PRPF8 is on the minus strand). VCF-style: chr17-1650848-T-A. GRCh37 (hg19) VCF-style: chr17-1554142-T-A.
Other names: short protein forms Q2321L.
Identifiers: ClinVar variation 3007550 (VCV003007550.3), dbSNP rs774814867, ClinGen allele CA8271042.
Genomic context (GRCh38, chr17:1,650,848, plus strand): 5'-AGGCAGGGAAACGGTCAGGCATACAGGTCCTCCCGATCCGCAGAGTAAACCTCCCCCTCC[T>A]GCAGGAGAGCAAAGTTGAGGAAGTGAGAGGGCCTGTGCACCTCGTGGTAGAACTCTTTGG-3'
Protein context (NP_006436.3, residues 2311-2331): PSHFLNFALL[Gln2321Leu]EGEVYSADRE